The following is an entry in ClinVar:

ClinVar aggregate classification (germline): Uncertain significance (1 of 4 stars; one submission).

Submission:

GeneDx
Classification: Uncertain significance. Last evaluated: 2023-03-31. Review status: criteria provided, single submitter. Criteria: GeneDx Variant Classification Process June 2021. Collection method: clinical testing. Allele origin: germline. Affected: yes.
Comment: Not observed at significant frequency in large population cohorts (gnomAD); In silico analysis supports that this missense variant does not alter protein structure/function; Has not been previously published as pathogenic or benign to our knowledge

NM_000827.4(GRIA1):c.2617G>A (p.Gly873Arg)

Gene: GRIA1 (glutamate ionotropic receptor AMPA type subunit 1; plus strand). Cytogenetic location: 5q33.2.
Variant type: single nucleotide variant.
Coding change: c.2617G>A on transcript NM_000827.4 (MANE Select); coding-DNA position 2617, G replaced by A.
Protein change: p.Gly873Arg; replaces glycine 873 with arginine.
Molecular consequence: missense variant. On other transcripts: non-coding transcript variant (2).
Genome position (GRCh38, 1-based): chr5:153,811,121, G>A. VCF-style: chr5-153811121-G-A. GRCh37 (hg19) VCF-style: chr5-153190681-G-A.
Other names: c.2617G>A, p.Gly873Arg (NM_001114183.2); c.2377G>A, p.Gly793Arg (NM_001258019.2); c.2332G>A, p.Gly778Arg (NM_001258020.2); c.2647G>A, p.Gly883Arg (NM_001258021.2, NM_001258022.2); c.2410G>A, p.Gly804Arg (NM_001258023.1, NM_001364167.2); c.2449G>A, p.Gly817Arg (NM_001364165.2); c.2644G>A, p.Gly882Arg (NM_001364166.2); short protein forms G778R, G793R, G804R, G817R, G873R, G882R, G883R.
Identifiers: ClinVar variation 2661964 (VCV002661964.1), dbSNP rs2479875679, ClinGen allele CA362002578.